The following is an entry in ClinVar:

NM_001042492.3(NF1):c.7490C>T (p.Pro2497Leu)

Gene: NF1 (neurofibromin 1; plus strand). Cytogenetic location: 17q11.2.
Variant type: single nucleotide variant.
Coding change: c.7490C>T on transcript NM_001042492.3 (MANE Select); coding-DNA position 7490, C replaced by T.
Protein change: p.Pro2497Leu; replaces proline 2497 with leucine.
Molecular consequence: missense variant.
Genome position (GRCh38, 1-based): chr17:31,352,289, C>T. VCF-style: chr17-31352289-C-T. GRCh37 (hg19) VCF-style: chr17-29679307-C-T.
Other names: c.7427C>T, p.Pro2476Leu (NM_000267.4); short protein forms P2476L, P2497L.
Identifiers: ClinVar variation 481955 (VCV000481955.15), dbSNP rs1555536347, ClinGen allele CA399017500.
Genomic context (GRCh38, chr17:31,352,289, plus strand): 5'-ATTTTTCTCTATTGTTTTCATCTTTCAGGACACTAAAGGAGACTCAGCCATGGTCCTCTC[C>T]CAAAGGTTCTGAAGGATACCTTGCAGCCACCTATCCAACTGTCGGCCAGACCAGTCCCCG-3'
Protein context (NP_001035957.1, residues 2487-2507): TLKETQPWSS[Pro2497Leu]KGSEGYLAAT

ClinVar aggregate classification (germline): Conflicting classifications of pathogenicity. Review status: criteria provided, conflicting classifications (1 of 4 stars). 5 submissions from 5 submitters: Uncertain significance (4); Likely benign (1). Last evaluated 2025-06-03.

Conditions:
Cardiovascular phenotype. Identifiers: MedGen CN230736.
Hereditary cancer-predisposing syndrome. Also called: Hereditary neoplastic syndrome; Neoplastic Syndromes, Hereditary; Tumor predisposition; Hereditary Cancer Syndrome. Identifiers: Orphanet 140162, MedGen C0027672, MeSH D009386, MONDO:0015356.
Juvenile myelomonocytic leukemia (JMML). Also called: LEUKEMIA, JUVENILE MYELOMONOCYTIC, SOMATIC. Identifiers: Orphanet 86834, MedGen C0349639, MONDO:0011908, OMIM 607785, HP:0012209.
Neurofibromatosis, type 1 (NF1). Also called: VON RECKLINGHAUSEN DISEASE; Peripheral type neurofibromatosis; NEUROFIBROMATOSIS, TYPE I, SOMATIC; Neurofibromatosis, type I. Identifiers: Orphanet 636, MedGen C0027831, MONDO:0018975, OMIM 162200. Disease mechanism: loss of function.

Allele frequency attached by ClinVar (database versions not stated): TOPMed below 0.00001; gnomAD exomes 0.00001.
gnomAD v4.1: 15 of 1,614,076 alleles (0.00093%); highest among the groups gnomAD compares: Non-Finnish European, 0.0012%; no homozygotes.

Submissions (5):

Labcorp Genetics (formerly Invitae), Labcorp
Classification: Likely benign for Neurofibromatosis, type 1. Last evaluated: 2025-06-03. Review status: criteria provided, single submitter. Criteria: Invitae Variant Classification Sherloc (09022015). Collection method: clinical testing. Allele origin: germline.

Quest Diagnostics Nichols Institute San Juan Capistrano
Classification: Uncertain significance. Last evaluated: 2024-05-16. Review status: criteria provided, single submitter. Criteria: Quest Diagnostics criteria. Collection method: clinical testing. Allele origin: unknown.

Ambry Genetics
Classification: Uncertain significance for Cardiovascular phenotype; Hereditary cancer-predisposing syndrome. Last evaluated: 2023-12-27. Review status: criteria provided, single submitter. Criteria: Ambry Variant Classification Scheme 2023. Collection method: clinical testing. Allele origin: germline.
Comment: The p.P2476L variant (also known as c.7427C>T), located in coding exon 50 of the NF1 gene, results from a C to T substitution at nucleotide position 7427. The proline at codon 2476 is replaced by leucine, an amino acid with similar properties. This amino acid position is highly conserved in available vertebrate species. In addition, the in silico prediction for this alteration is inconclusive. Since supporting evidence is limited at this time, the clinical significance of this alteration remains unclear.

Baylor Genetics
Classification: Uncertain significance for Juvenile myelomonocytic leukemia. Last evaluated: 2023-07-18. Review status: criteria provided, single submitter. Criteria: ACMG Guidelines, 2015. Collection method: clinical testing. Allele origin: unknown.

Genome-Nilou Lab
Classification: Uncertain significance for Neurofibromatosis, type 1. Last evaluated: 2022-03-15. Review status: criteria provided, single submitter. Criteria: ACMG Guidelines, 2015. Collection method: clinical testing. Allele origin: germline. Affected: no.

Literature cited by the submitters: PubMed 31573083 (cited by Quest Diagnostics Nichols Institute San Juan Capistrano).